The following is an entry in ClinVar:

ClinVar aggregate classification (germline): Likely benign (1 of 4 stars; one submission).

Submission:

CeGaT Center for Human Genetics Tuebingen
Classification: Likely benign. Last evaluated: 2022-11-01. Review status: criteria provided, single submitter. Criteria: CeGaT Center For Human Genetics Tuebingen Variant Classification Criteria Version 2. Collection method: clinical testing. Allele origin: germline. Affected: yes. Observed: 1 variant allele.
Comment: PANO1: BP4, BP7

NC_000011.10:g.798093G>C

Genes: PANO1 (proapoptotic nucleolar protein 1; plus strand), SLC25A22 (solute carrier family 25 member 22; minus strand). Cytogenetic location: 11p15.5.
Variant type: single nucleotide variant.
Molecular consequence: intron variant (on NM_001191061.2).
Genome position: GRCh38 VCF-style: chr11-798093-G-C. GRCh37 (hg19) VCF-style: chr11-798093-G-C.
Other names: c.-164+124C>G (NM_001191061.2).
Identifiers: ClinVar variation 2641094 (VCV002641094.24), dbSNP rs1328999770, ClinGen allele CA597022107.